The following is an entry in ClinVar:

NM_001130438.3(SPTAN1):c.3793C>T (p.Leu1265Phe)

Gene: SPTAN1 (spectrin alpha, non-erythrocytic 1; plus strand). Cytogenetic location: 9q34.11.
Variant type: single nucleotide variant.
Coding change: c.3793C>T on transcript NM_001130438.3 (MANE Select); coding-DNA position 3793, C replaced by T.
Protein change: p.Leu1265Phe; replaces leucine 1265 with phenylalanine.
Molecular consequence: missense variant.
Genome position (GRCh38, 1-based): chr9:128,605,107, C>T. VCF-style: chr9-128605107-C-T. GRCh37 (hg19) VCF-style: chr9-131367386-C-T.
Other names: c.3733C>T, p.Leu1245Phe (NM_001195532.2, NM_001363765.2, NM_001375314.2); c.3793C>T, p.Leu1265Phe (NM_001363759.2, NM_001375310.1, NM_001375311.2 and 2 more transcripts); c.3829C>T, p.Leu1277Phe (NM_001375312.2, NM_001375318.1); short protein forms L1245F, L1265F, L1277F.
Identifiers: ClinVar variation 3635912 (VCV003635912.2).

ClinVar aggregate classification (germline): Uncertain significance (1 of 4 stars; one submission).

Conditions:
Early-infantile DEE. Also called: Early infantile epileptic encephalopathy; Ohtahara syndrome; Early infantile epileptic encephalopathy with suppression bursts. Identifiers: Orphanet 1934, MedGen C0393706, MONDO:0800491.

Submission:

Labcorp Genetics (formerly Invitae), Labcorp
Classification: Uncertain significance for Early-infantile DEE. Last evaluated: 2025-07-10. Review status: criteria provided, single submitter. Criteria: Invitae Variant Classification Sherloc (09022015). Collection method: clinical testing. Allele origin: germline.
Comment: This sequence change replaces leucine, which is neutral and non-polar, with phenylalanine, which is neutral and non-polar, at codon 1265 of the SPTAN1 protein (p.Leu1265Phe). This variant is not present in population databases (gnomAD no frequency). This variant has not been reported in the literature in individuals affected with SPTAN1-related conditions. ClinVar contains an entry for this variant (Variation ID: 3635912). Invitae Evidence Modeling of protein sequence and biophysical properties (such as structural, functional, and spatial information, amino acid conservation, physicochemical variation, residue mobility, and thermodynamic stability) has been performed for this missense variant. However, the output from this modeling did not meet the statistical confidence thresholds required to predict the impact of this variant on SPTAN1 protein function. In summary, the available evidence is currently insufficient to determine the role of this variant in disease. Therefore, it has been classified as a Variant of Uncertain Significance.